The following is an entry in ClinVar:

NM_018006.5(TRMU):c.172_173dup (p.Arg59fs)

Gene: TRMU (tRNA mitochondrial 2-thiouridylase; plus strand). Cytogenetic location: 22q13.31.
Variant type: Duplication.
Coding change: c.172_173dup on transcript NM_018006.5 (MANE Select); coding-DNA positions 172 to 173, 2 bases duplicated (TA; older notation c.172_173dupTA).
Protein change: p.Arg59fs; shifts the reading frame from arginine 59.
Molecular consequence: frameshift variant. On other transcripts: 5 prime UTR variant (3), non-coding transcript variant (2).
Genome position (GRCh38, 1-based): chr22:46,337,868-46,337,869, TA duplicated. VCF-style (leftmost placement, unchanged base first): chr22-46337867-T-TTA. GRCh37 (hg19) VCF-style: chr22-46733764-T-TTA.
Other names: c.-64_-63dup (NM_001282782.2); c.-83_-82dup (NM_001282783.2, NM_001282784.2); c.172_173dup, p.Arg59fs (NM_001282785.2); short protein forms R59fs.
Identifiers: ClinVar variation 1444343 (VCV001444343.7), dbSNP rs2147853237, ClinGen allele CA2573158378.

ClinVar aggregate classification (germline): Pathogenic/Likely pathogenic. Review status: criteria provided, multiple submitters, no conflicts (2 of 4 stars). 2 submissions from 2 submitters: Pathogenic (1); Likely pathogenic (1). Last evaluated 2024-06-01.

Conditions:
Acute infantile liver failure due to synthesis defect of mtDNA-encoded proteins. Also called: TRMU Deficiency; Liver failure acute infantile; LIVER FAILURE, INFANTILE, TRANSIENT. Identifiers: Orphanet 217371, MedGen C3278664, MONDO:0013111, OMIM 613070.
Aminoglycoside-induced deafness. Also called: MT-RNR1-Related Hearing Loss and Deafness; STREPTOMYCIN OTOTOXICITY; DEAFNESS, STREPTOMYCIN-INDUCED. Identifiers: Orphanet 168609, MedGen C1838854, MONDO:0010799, OMIM 580000.

Submissions (2):

Fulgent Genetics
Classification: Likely pathogenic for Aminoglycoside-induced deafness; Acute infantile liver failure due to synthesis defect of mtDNA-encoded proteins. Last evaluated: 2024-06-01. Review status: criteria provided, single submitter. Criteria: ACMG Guidelines, 2015. Collection method: clinical testing. Allele origin: germline.

Labcorp Genetics (formerly Invitae), Labcorp
Classification: Pathogenic. Last evaluated: 2021-11-09. Review status: criteria provided, single submitter. Criteria: Invitae Variant Classification Sherloc (09022015). Collection method: clinical testing. Allele origin: germline.
Comment: This sequence change creates a premature translational stop signal (p.Arg59Thrfs*7) in the TRMU gene. It is expected to result in an absent or disrupted protein product. Loss-of-function variants in TRMU are known to be pathogenic (PMID: 19732863, 23625533). This variant is not present in population databases (gnomAD no frequency). For these reasons, this variant has been classified as Pathogenic. This variant has not been reported in the literature in individuals affected with TRMU-related conditions.

Literature cited by the submitters: PubMed 19732863 (cited by Labcorp Genetics (formerly Invitae), Labcorp); PubMed 23625533 (cited by Labcorp Genetics (formerly Invitae), Labcorp).